The following is an entry in ClinVar:

NM_000548.5(TSC2):c.5068+43_5080del

Gene: TSC2 (TSC complex subunit 2; plus strand). Cytogenetic location: 16p13.3.
Variant type: Deletion.
Coding change: c.5068+43_5080del on transcript NM_000548.5 (MANE Select); 43 bases into the intron after coding-DNA position 5068 through coding-DNA position 5080, 76 bases deleted.
Molecular consequence: splice acceptor variant.
Genome position (GRCh38, 1-based): chr16:2,087,984-2,088,059, 76 bases deleted. GRCh37 (hg19): chr16:2,137,985-2,138,060.
Other names: c.4999+43_5011del (NM_001114382.3); c.4939+43_4951del (NM_021055.3, NM_001370405.1); c.4870+43_4882del (NM_001363528.2); c.4936+43_4948del (NM_001370404.1); c.4867+43_4879del (NM_001077183.3); c.4759+43_4771del (NM_001318827.2); c.4336+43_4348del (NM_001318831.2); c.4723+43_4735del (NM_001318829.2); and 1 more.
Identifiers: ClinVar variation 2027102 (VCV002027102.4), dbSNP rs2544469389, ClinGen allele CA2580091140.

ClinVar aggregate classification (germline): Likely pathogenic (1 of 4 stars; one submission).

Conditions:
Tuberous sclerosis 2 (TSC2). Identifiers: Orphanet 805, MedGen C1860707, MONDO:0013199, OMIM 613254.

Submission:

Labcorp Genetics (formerly Invitae), Labcorp
Classification: Likely pathogenic for Tuberous sclerosis 2. Last evaluated: 2022-08-25. Review status: criteria provided, single submitter. Criteria: Invitae Variant Classification Sherloc (09022015). Collection method: clinical testing. Allele origin: germline.
Comment: In summary, the currently available evidence indicates that the variant is pathogenic, but additional data are needed to prove that conclusively. Therefore, this variant has been classified as Likely Pathogenic. Algorithms developed to predict the effect of sequence changes on RNA splicing suggest that this variant may disrupt the consensus splice site. This variant has been observed in individual(s) with tuberous sclerosis complex (Invitae). This variant is not present in population databases (gnomAD no frequency). This variant results in the deletion of part of exon 40 (c.5068+43_5080del) of the TSC2 gene. It is expected to disrupt RNA splicing. Variants that disrupt the donor or acceptor splice site typically lead to a loss of protein function (PMID: 16199547), and loss-of-function variants in TSC2 are known to be pathogenic (PMID: 10205261, 17304050).

Literature cited by the submitters: PubMed 16199547; PubMed 10205261; PubMed 17304050.